The following is an entry in ClinVar:

ClinVar aggregate classification (germline): Uncertain significance (1 of 4 stars; one submission).

Conditions:
Progressive microcephaly-seizures-cortical blindness-developmental delay syndrome. Also called: Seizures, cortical blindness, and microcephaly syndrome. Identifiers: Orphanet 477814, MedGen C5567650, MONDO:0014714, OMIM 616632.
Autosomal dominant nonsyndromic hearing loss 1. Also called: KONIGSMARK SYNDROME; DEAFNESS, AUTOSOMAL DOMINANT 1, WITH OR WITHOUT THROMBOCYTOPENIA. Identifiers: Orphanet 90635, MedGen C1852282, MONDO:0007424, OMIM 124900.

Allele frequency attached by ClinVar (database versions not stated): gnomAD exomes below 0.00001.
gnomAD v4.1: 2 of 1,550,164 alleles (0.00013%); highest among the groups gnomAD compares: Non-Finnish European, 0.00017%; no homozygotes.

Submission:

Labcorp Genetics (formerly Invitae), Labcorp
Classification: Uncertain significance for Progressive microcephaly-seizures-cortical blindness-developmental delay syndrome; Autosomal dominant nonsyndromic hearing loss 1. Last evaluated: 2023-04-12. Review status: criteria provided, single submitter. Criteria: Invitae Variant Classification Sherloc (09022015). Collection method: clinical testing. Allele origin: germline.
Comment: This sequence change replaces alanine, which is neutral and non-polar, with serine, which is neutral and polar, at codon 29 of the DIAPH1 protein (p.Ala29Ser). This variant is not present in population databases (gnomAD no frequency). This variant has not been reported in the literature in individuals affected with DIAPH1-related conditions. Experimental studies and prediction algorithms are not available or were not evaluated, and the functional significance of this variant is currently unknown. In summary, the available evidence is currently insufficient to determine the role of this variant in disease. Therefore, it has been classified as a Variant of Uncertain Significance.

NM_005219.5(DIAPH1):c.85G>T (p.Ala29Ser)

Gene: DIAPH1 (diaphanous related formin 1; minus strand). Cytogenetic location: 5q31.3.
Variant type: single nucleotide variant.
Coding change: c.85G>T on transcript NM_005219.5 (MANE Select); coding-DNA position 85, G replaced by T.
Protein change: p.Ala29Ser; replaces alanine 29 with serine.
Molecular consequence: missense variant.
Genome position (GRCh38, 1-based): chr5:141,618,830, C>A on the plus strand (G>T on the coding strand, the complement: DIAPH1 is on the minus strand). VCF-style: chr5-141618830-C-A. GRCh37 (hg19) VCF-style: chr5-140998397-C-A.
Other names: c.85G>T, p.Ala29Ser (NM_001079812.3, NM_001314007.2); short protein forms A29S.
Identifiers: ClinVar variation 2937650 (VCV002937650.3), dbSNP rs2154597563, ClinGen allele CA361508470.